The following is an entry in ClinVar:

NM_001330288.2(SMARCC2):c.1893G>C (p.Glu631Asp)

Gene: SMARCC2 (SWI/SNF related BAF chromatin remodeling complex subunit C2; minus strand). Cytogenetic location: 12q13.2.
Variant type: single nucleotide variant.
Coding change: c.1893G>C on transcript NM_001330288.2 (MANE Select); coding-DNA position 1893, G replaced by C.
Protein change: p.Glu631Asp; replaces glutamic acid 631 with aspartic acid.
Molecular consequence: missense variant.
Genome position (GRCh38, 1-based): chr12:56,172,461, C>G on the plus strand (G>C on the coding strand, the complement: SMARCC2 is on the minus strand). VCF-style: chr12-56172461-C-G. GRCh37 (hg19) VCF-style: chr12-56566245-C-G.
Other names: c.1893G>C, p.Glu631Asp (NM_001130420.3, NM_139067.4); c.1800G>C, p.Glu600Asp (NM_003075.5); short protein forms E600D, E631D.
Identifiers: ClinVar variation 4531017 (VCV004531017.1).
Genomic context (GRCh38, chr12:56,172,461, plus strand): 5'-AAACTCTCTTTTCTTTGCCCCAATTACCTCCAGGAGAAGCAGGGTTTCCTGTTCTGTCCA[C>G]TCACGAGTGGCACTGGCTGCAGCCTTGCTCTGCAGGGGAAACACAGGCAGGTGAGAAGAA-3'
Protein context (NP_001317217.1, residues 621-641): KSKAAASATR[Glu631Asp]WTEQETLLLL

ClinVar aggregate classification (germline): Uncertain significance (1 of 4 stars; one submission).

Submission:

GeneDx
Classification: Uncertain significance. Last evaluated: 2025-05-20. Review status: criteria provided, single submitter. Criteria: GeneDx Variant Classification Process June 2021. Collection method: clinical testing. Allele origin: germline. Affected: yes.
Comment: Not observed at significant frequency in large population cohorts (gnomAD); In silico analysis suggests that this missense variant does not alter protein structure/function; Has not been previously published as pathogenic or benign to our knowledge